The following is an entry in ClinVar:

NM_001330311.2(DVL1):c.1714+8C>G

Genes: DVL1 (dishevelled segment polarity protein 1; minus strand), LOC129929114 (ATAC-STARR-seq lymphoblastoid silent region 61; plus strand). Cytogenetic location: 1p36.33.
Variant type: single nucleotide variant.
Coding change: c.1714+8C>G on transcript NM_001330311.2 (MANE Select); 8 bases into the intron after coding-DNA position 1714, C replaced by G.
Molecular consequence: intron variant.
Genome position (GRCh38, 1-based): chr1:1,337,969, G>C on the plus strand (C>G on the coding strand, the complement: DVL1 is on the minus strand). VCF-style: chr1-1337969-G-C. GRCh37 (hg19) VCF-style: chr1-1273349-G-C.
Other names: c.1639+8C>G (NM_004421.3).
Identifiers: ClinVar variation 737293 (VCV000737293.13), dbSNP rs370632814, ClinGen allele CA519953.

ClinVar aggregate classification (germline): Benign/Likely benign. Review status: criteria provided, multiple submitters, no conflicts (2 of 4 stars). 3 submissions from 3 submitters: Benign (1); Likely benign (1). 1 of the submissions does not count toward it. Last evaluated 2025-03-05.

Conditions:
DVL1-related disorder. Also called: DVL1-related condition.

Allele frequency attached by ClinVar (database versions not stated): 1000 Genomes Project 0.00040; 1000 Genomes Project 30x 0.00047; ESP Exome Variant Server 0.00054; TOPMed 0.00056.
gnomAD v4.1: 180 of 1,609,904 alleles (0.011%); highest among the groups gnomAD compares: African/African-American, 0.19%; 1 homozygote.

Submissions (3):

Labcorp Genetics (formerly Invitae), Labcorp
Classification: Benign. Last evaluated: 2025-03-05. Review status: criteria provided, single submitter. Criteria: Invitae Variant Classification Sherloc (09022015). Collection method: clinical testing. Allele origin: germline.

Blueprint Genetics
Classification: Likely benign. Last evaluated: 2023-10-09. Review status: criteria provided, single submitter. Criteria: ACMG Guidelines, 2015. Collection method: clinical testing. Allele origin: germline.

PreventionGenetics, part of Exact Sciences
Classification: Likely benign for DVL1-related condition. Last evaluated: 2021-01-18. Review status: no assertion criteria provided. Collection method: clinical testing. Allele origin: germline. Not counted in ClinVar's aggregate classification.
Comment: This variant is classified as likely benign based on ACMG/AMP sequence variant interpretation guidelines (Richards et al. 2015 PMID: 25741868, with internal and published modifications).